The following is an entry in ClinVar:

ClinVar aggregate classification (germline): Uncertain significance (1 of 4 stars; one submission).

Conditions:
Inborn genetic diseases. Identifiers: MedGen C0950123, MeSH D030342.

Allele frequency attached by ClinVar (database versions not stated): ExAC 0.00001; gnomAD exomes 0.00001.
gnomAD v4.1: 8 of 1,613,936 alleles (0.0005%); highest among the groups gnomAD compares: Non-Finnish European, 0.00068%; no homozygotes.

Submission:

Ambry Genetics
Classification: Uncertain significance for Inborn genetic diseases. Last evaluated: 2022-09-20. Review status: criteria provided, single submitter. Criteria: Ambry Variant Classification Scheme 2023. Collection method: clinical testing. Allele origin: germline.
Comment: The p.L1414S variant (also known as c.4241T>C), located in coding exon 30 of the LRRK2 gene, results from a T to C substitution at nucleotide position 4241. The leucine at codon 1414 is replaced by serine, an amino acid with dissimilar properties. This amino acid position is conserved. In addition, this alteration is predicted to be deleterious by in silico analysis. Since supporting evidence is limited at this time, the clinical significance of this alteration remains unclear.

NM_198578.4(LRRK2):c.4241T>C (p.Leu1414Ser)

Gene: LRRK2 (leucine rich repeat kinase 2; plus strand). Cytogenetic location: 12q12.
Variant type: single nucleotide variant.
Coding change: c.4241T>C on transcript NM_198578.4 (MANE Select); coding-DNA position 4241, T replaced by C.
Protein change: p.Leu1414Ser; replaces leucine 1414 with serine.
Molecular consequence: missense variant.
Genome position (GRCh38, 1-based): chr12:40,309,157, T>C. VCF-style: chr12-40309157-T-C. GRCh37 (hg19) VCF-style: chr12-40702959-T-C.
Other names: short protein forms L1414S.
Identifiers: ClinVar variation 1739005 (VCV001739005.2), dbSNP rs750386242, ClinGen allele CA6514123.